The following is an entry in ClinVar:

ClinVar aggregate classification (germline): Uncertain significance. Review status: criteria provided, multiple submitters, no conflicts (2 of 4 stars). 2 submissions from 2 submitters: Uncertain significance (2). Last evaluated 2023-10-04.

Conditions:
Early-infantile DEE. Also called: Ohtahara syndrome; Early infantile epileptic encephalopathy; Early infantile epileptic encephalopathy with suppression bursts. Identifiers: Orphanet 1934, MedGen C0393706, MONDO:0800491.
Inborn genetic diseases. Identifiers: MedGen C0950123, MeSH D030342.

Allele frequency attached by ClinVar (database versions not stated): gnomAD exomes 0.00001; TOPMed 0.00001; gnomAD 0.00002; ExAC 0.00003.
gnomAD v4.1: 17 of 1,614,182 alleles (0.0011%); highest among the groups gnomAD compares: East Asian, 0.0067%; no homozygotes.

Submissions (2):

Labcorp Genetics (formerly Invitae), Labcorp
Classification: Uncertain significance for Early-infantile DEE. Last evaluated: 2023-10-04. Review status: criteria provided, single submitter. Criteria: Invitae Variant Classification Sherloc (09022015). Collection method: clinical testing. Allele origin: germline.
Comment: This sequence change replaces glycine, which is neutral and non-polar, with arginine, which is basic and polar, at codon 749 of the KCNH5 protein (p.Gly749Arg). This variant is present in population databases (rs758320399, gnomAD 0.01%). This variant has not been reported in the literature in individuals affected with KCNH5-related conditions. ClinVar contains an entry for this variant (Variation ID: 2213747). Advanced modeling of protein sequence and biophysical properties (such as structural, functional, and spatial information, amino acid conservation, physicochemical variation, residue mobility, and thermodynamic stability) performed at Invitae indicates that this missense variant is not expected to disrupt KCNH5 protein function. In summary, the available evidence is currently insufficient to determine the role of this variant in disease. Therefore, it has been classified as a Variant of Uncertain Significance.

Ambry Genetics
Classification: Uncertain significance for Inborn genetic diseases. Last evaluated: 2021-10-12. Review status: criteria provided, single submitter. Criteria: Ambry Variant Classification Scheme 2023. Collection method: clinical testing. Allele origin: germline.

NM_139318.5(KCNH5):c.2245G>A (p.Gly749Arg)

Gene: KCNH5 (potassium voltage-gated channel subfamily H member 5; minus strand). Cytogenetic location: 14q23.2.
Variant type: single nucleotide variant.
Coding change: c.2245G>A on transcript NM_139318.5 (MANE Select); coding-DNA position 2245, G replaced by A.
Protein change: p.Gly749Arg; replaces glycine 749 with arginine.
Molecular consequence: missense variant. On other transcripts: 3 prime UTR variant (1).
Genome position (GRCh38, 1-based): chr14:62,708,230, C>T on the plus strand (G>A on the coding strand, the complement: KCNH5 is on the minus strand). VCF-style: chr14-62708230-C-T. GRCh37 (hg19) VCF-style: chr14-63174948-C-T.
Other names: c.*212G>A (NM_172375.3); short protein forms G749R.
Identifiers: ClinVar variation 2213747 (VCV002213747.5), dbSNP rs758320399, ClinGen allele CA7217288.